The following is an entry in ClinVar:

NM_001035.3(RYR2):c.273+190T>C

Gene: RYR2 (ryanodine receptor 2; plus strand). Cytogenetic location: 1q43.
Variant type: single nucleotide variant.
Coding change: c.273+190T>C on transcript NM_001035.3 (MANE Select); 190 bases into the intron after coding-DNA position 273, T replaced by C.
Molecular consequence: intron variant.
Genome position (GRCh38, 1-based): chr1:237,331,172, T>C. VCF-style: chr1-237331172-T-C. GRCh37 (hg19) VCF-style: chr1-237494472-T-C.
Identifiers: ClinVar variation 672919 (VCV000672919.1), dbSNP rs116441166, ClinGen allele CA40003366.
Genomic context (GRCh38, chr1:237,331,172, plus strand): 5'-TTAGGTTTGACTTTCTGCTTTATCTAGCATATTTGTGGTGTCTTGAAAACTAAAAAAATA[T>C]ATCCAAGCTTGATGTGATCTGTGTCACTAGGCCTCGTGCTTATGTCTGTTGTTTAAAACC-3'

ClinVar aggregate classification (germline): Likely benign (1 of 4 stars; one submission).

Allele frequency attached by ClinVar (database versions not stated): gnomAD 0.00741 and 0.00816; 1000 Genomes Project 30x 0.00874; 1000 Genomes Project 0.00879; TOPMed 0.00922.
gnomAD v4.1: 1,130 of 152,320 alleles (0.74%); highest among the groups gnomAD compares: African/African-American, 2.5%; 14 homozygotes.

Submission:

GeneDx
Classification: Likely benign. Last evaluated: 2018-06-14. Review status: criteria provided, single submitter. Criteria: GeneDx Variant Classification (06012015). Collection method: clinical testing. Allele origin: germline. Affected: yes.
Comment: This variant is considered likely benign or benign based on one or more of the following criteria: it is a conservative change, it occurs at a poorly conserved position in the protein, it is predicted to be benign by multiple in silico algorithms, and/or has population frequency not consistent with disease.